The following is an entry in ClinVar:

ClinVar aggregate classification (germline): Uncertain significance (1 of 4 stars; one submission).

Submission:

GeneDx
Classification: Uncertain significance. Last evaluated: 2023-10-10. Review status: criteria provided, single submitter. Criteria: GeneDx Variant Classification Process June 2021. Collection method: clinical testing. Allele origin: germline. Affected: yes.
Comment: Not observed at significant frequency in large population cohorts (gnomAD); In silico analysis supports that this missense variant has a deleterious effect on protein structure/function; Has not been previously published as pathogenic or benign to our knowledge

NM_001197104.2(KMT2A):c.11156G>A (p.Gly3719Asp)

Genes: KMT2A (lysine methyltransferase 2A; plus strand), TTC36-AS1 (TTC36 and KMT2A antisense RNA 1; minus strand). Cytogenetic location: 11q23.3.
Variant type: single nucleotide variant.
Coding change: c.11156G>A on transcript NM_001197104.2 (MANE Select); coding-DNA position 11156, G replaced by A.
Protein change: p.Gly3719Asp; replaces glycine 3719 with aspartic acid.
Molecular consequence: missense variant. On other transcripts: non-coding transcript variant (4).
Genome position (GRCh38, 1-based): chr11:118,519,627, G>A. VCF-style: chr11-118519627-G-A. GRCh37 (hg19) VCF-style: chr11-118390342-G-A.
Other names: c.11246G>A, p.Gly3749Asp (NM_001412597.1); c.11147G>A, p.Gly3716Asp (NM_005933.4); short protein forms G3716D, G3719D, G3749D.
Identifiers: ClinVar variation 3366014 (VCV003366014.1).